The following is an entry in ClinVar:

ClinVar aggregate classification (germline): Uncertain significance. Review status: criteria provided, multiple submitters, no conflicts (2 of 4 stars). 2 submissions from 2 submitters: Uncertain significance (2). Last evaluated 2025-09-28.

Conditions:
Inborn genetic diseases. Identifiers: MedGen C0950123, MeSH D030342.
Idiopathic generalized epilepsy. Also called: EIG; Generalised epilepsy. Identifiers: MedGen C0270850, MONDO:0005579, OMIM 600669.

gnomAD v4.1: 14 of 1,613,014 alleles (0.00087%); highest among the groups gnomAD compares: Admixed American, 0.0033%; no homozygotes.

Submissions (2):

Ambry Genetics
Classification: Uncertain significance for Inborn genetic diseases. Last evaluated: 2025-09-28. Review status: criteria provided, single submitter. Criteria: Ambry Variant Classification Scheme 2023. Collection method: clinical testing. Allele origin: germline.

Labcorp Genetics (formerly Invitae), Labcorp
Classification: Uncertain significance for Idiopathic generalized epilepsy. Last evaluated: 2024-08-19. Review status: criteria provided, single submitter. Criteria: Invitae Variant Classification Sherloc (09022015). Collection method: clinical testing. Allele origin: germline.
Comment: This sequence change replaces valine, which is neutral and non-polar, with leucine, which is neutral and non-polar, at codon 375 of the RBFOX1 protein (p.Val375Leu). This variant is present in population databases (rs138704494, gnomAD 0.007%). This variant has not been reported in the literature in individuals affected with RBFOX1-related conditions. ClinVar contains an entry for this variant (Variation ID: 1950285). An algorithm developed to predict the effect of missense changes on protein structure and function (PolyPhen-2) suggests that this variant is likely to be tolerated. In summary, the available evidence is currently insufficient to determine the role of this variant in disease. Therefore, it has been classified as a Variant of Uncertain Significance.

NM_018723.4(RBFOX1):c.1060G>C (p.Val354Leu)

Genes: RBFOX1 (RNA binding fox-1 homolog 1; plus strand), LOC126862279 (MED14-independent group 3 enhancer GRCh37_chr16:7758954-7760153; plus strand). Cytogenetic location: 16p13.3.
Variant type: single nucleotide variant.
Coding change: c.1060G>C on transcript NM_018723.4 (MANE Select); coding-DNA position 1060, G replaced by C.
Protein change: p.Val354Leu; replaces valine 354 with leucine.
Molecular consequence: missense variant. On other transcripts: synonymous variant (18).
Genome position (GRCh38, 1-based): chr16:7,709,120, G>C. VCF-style: chr16-7709120-G-C. GRCh37 (hg19) VCF-style: chr16-7759122-G-C.
Other names: c.1123G>C (NM_145891.2); c.979G>C, p.Val327Leu (NM_001142333.2); c.1060G>C, p.Val354Leu (NM_001142334.2); c.1189G>C, p.Val397Leu (NM_001308117.1, NM_001415891.1); c.1113G>C, p.Ala371= (NM_001364800.2); c.1242G>C, p.Ala414= (NM_001411047.1, NM_001415895.1); c.1710G>C, p.Ala570= (NM_001415887.1); c.1576G>C, p.Val526Leu (NM_001415888.1); and 24 more; short protein forms V327L, V332L, V354L, V323L, V352L, V363L, V370L, V375L.
Identifiers: ClinVar variation 1950285 (VCV001950285.6), dbSNP rs138704494, ClinGen allele CA7891969.
Genomic context (GRCh38, chr16:7,709,120, plus strand): 5'-GGACGAGTTTATGCTGCCGACCCCTACCACCACGCACTTGCTCCAGCCCCCACCTACGGC[G>C]TTGGTGCCATGGTGAGTACAAGTTTCTCCTTGTCCTCACTTCCTCCTGCCTCCCTTCCCT-3'
Protein context (NP_061193.2, residues 344-364): HALAPAPTYG[Val354Leu]GAMNAFAPLT